The following is an entry in ClinVar:

ClinVar aggregate classification (germline): Uncertain significance. Review status: criteria provided, multiple submitters, no conflicts (2 of 4 stars). 3 submissions from 3 submitters: Uncertain significance (3). Last evaluated 2025-09-18.

Conditions:
Inborn genetic diseases. Identifiers: MedGen C0950123, MeSH D030342.

Submissions (3):

Athena Diagnostics
Classification: Uncertain significance. Last evaluated: 2025-09-18. Review status: criteria provided, single submitter. Criteria: Athena Diagnostics Criteria. Collection method: clinical testing. Allele origin: unknown.
Comment: Available data are insufficient to determine the clinical significance of the variant at this time. The frequency of this variant in the general population is uninformative in assessment of its pathogenicity. Polyphen and MutationTaster yielded discordant predictions regarding whether this amino acid change is damaging to the protein.

Ambry Genetics
Classification: Uncertain significance for Inborn genetic diseases. Last evaluated: 2024-12-10. Review status: criteria provided, single submitter. Criteria: Ambry Variant Classification Scheme 2023. Collection method: clinical testing. Allele origin: germline.

Blueprint Genetics
Classification: Uncertain significance. Last evaluated: 2023-08-18. Review status: criteria provided, single submitter. Criteria: ACMG Guidelines, 2015. Collection method: clinical testing. Allele origin: germline.

NM_000334.4(SCN4A):c.4958T>C (p.Ile1653Thr)

Genes: GH-LCR (growth hormone locus control region; plus strand), SCN4A (sodium voltage-gated channel alpha subunit 4; minus strand). Cytogenetic location: 17q23.3.
Variant type: single nucleotide variant.
Coding change: c.4958T>C on transcript NM_000334.4 (MANE Select); coding-DNA position 4958, T replaced by C.
Protein change: p.Ile1653Thr; replaces isoleucine 1653 with threonine.
Molecular consequence: missense variant.
Genome position (GRCh38, 1-based): chr17:63,941,324, A>G on the plus strand (T>C on the coding strand, the complement: SCN4A is on the minus strand). VCF-style: chr17-63941324-A-G. GRCh37 (hg19) VCF-style: chr17-62018684-A-G.
Other names: short protein forms I1653T.
Identifiers: ClinVar variation 3438236 (VCV003438236.3).